The following is an entry in ClinVar:

ClinVar aggregate classification (germline): Uncertain significance (1 of 4 stars; one submission).

Conditions:
Hereditary cancer-predisposing syndrome. Also called: Neoplastic Syndromes, Hereditary; Tumor predisposition; Hereditary Cancer Syndrome; Hereditary neoplastic syndrome. Identifiers: Orphanet 140162, MedGen C0027672, MeSH D009386, MONDO:0015356.

Submission:

Ambry Genetics
Classification: Uncertain significance for Hereditary cancer-predisposing syndrome. Last evaluated: 2024-12-18. Review status: criteria provided, single submitter. Criteria: Ambry Variant Classification Scheme 2023. Collection method: clinical testing. Allele origin: germline.
Comment: The c.160_161dupCG variant, located in coding exon 1 of the CDKN2A (p14ARF) gene, results from a duplication of CG at nucleotide position 160, causing a translational frameshift with a predicted alternate stop codon (p.L55Vfs*2). This alteration is expected to result in loss of function by premature protein truncation or nonsense-mediated mRNA decay. However, loss of function has not been clearly established as a mechanism of disease for the p14 isoform of CDKN2A. Based on the available evidence, the clinical significance of this variant remains unclear.

NM_058195.4(CDKN2A):c.160_161dup (p.Leu55fs)

Gene: CDKN2A (cyclin dependent kinase inhibitor 2A; minus strand). Cytogenetic location: 9p21.3.
Variant type: Duplication.
Coding change: c.160_161dup on transcript NM_058195.4 (MANE Plus Clinical); coding-DNA positions 160 to 161, 2 bases duplicated (CG; older notation c.160_161dupCG).
Protein change: p.Leu55fs; shifts the reading frame from leucine 55.
Molecular consequence: frameshift variant. On other transcripts: intron variant (1).
Genome position (GRCh38, 1-based): chr9:21,994,171-21,994,172, CG duplicated on the plus strand (CG on the coding strand, the reverse complement: CDKN2A is on the minus strand); duplicating any 2 consecutive bases within chr9:21,994,171-21,994,173 gives the same sequence; the c. name uses the placement nearest the transcript's 3' end. VCF-style (leftmost placement, unchanged base first): chr9-21994170-A-ACG. GRCh37 (hg19) VCF-style: chr9-21994169-A-ACG.
Other names: c.-4+649_-4+650dup (NM_001363763.2); c.160_161dupCG (NM_058195.3); short protein forms L55fs.
Identifiers: ClinVar variation 3830979 (VCV003830979.1).
Genomic context (GRCh38, chr9:21,994,170, plus strand): 5'-GCCCCGGACTTTTCGAGGGCCTTTCCTACCTGGTCTTCTAGGAAGCGGCTGCTGCCCTAG[A>ACG]CGCTGGCTCCTCAGTAGCATCAGCACGAGGGCCACAGCGGCGGGCGCCCCTGGCGCTGCC-3'